The following is an entry in ClinVar:

NM_001267550.2(TTN):c.56963-19G>T

Genes: TTN (titin; minus strand), TTN-AS1 (TTN antisense RNA 1; plus strand). Cytogenetic location: 2q31.2.
Variant type: single nucleotide variant.
Coding change: c.56963-19G>T on transcript NM_001267550.2 (MANE Select); 19 bases into the intron before coding-DNA position 56963, G replaced by T.
Molecular consequence: intron variant. On other transcripts: non-coding transcript variant (1).
Genome position (GRCh38, 1-based): chr2:178,598,673, C>A on the plus strand (G>T on the coding strand, the complement: TTN is on the minus strand). VCF-style: chr2-178598673-C-A. GRCh37 (hg19) VCF-style: chr2-179463400-C-A.
Other names: c.29768-19G>T (NM_003319.4); c.30344-19G>T (NM_133437.4); c.30143-19G>T (NM_133432.3); c.49259-19G>T (NM_133378.4); c.52040-19G>T (NM_001256850.1).
Identifiers: ClinVar variation 379181 (VCV000379181.3), dbSNP rs369216122, ClinGen allele CA1993135.

ClinVar aggregate classification (germline): Likely benign. Review status: criteria provided, multiple submitters, no conflicts (2 of 4 stars). 3 submissions from 3 submitters: Likely benign (3). Last evaluated 2024-10-06.

Allele frequency attached by ClinVar (database versions not stated): 1000 Genomes Project 0.00120; gnomAD 0.00139 and 0.00154; 1000 Genomes Project 30x 0.00156; TOPMed 0.00157.
gnomAD v4.1: 417 of 1,603,068 alleles (0.026%); highest among the groups gnomAD compares: African/African-American, 0.47%; no homozygotes.

Submissions (3):

Women's Health and Genetics/Laboratory Corporation of America, LabCorp
Classification: Likely benign. Last evaluated: 2024-10-06. Review status: criteria provided, single submitter. Criteria: LabCorp Variant Classification Summary - May 2015. Collection method: clinical testing. Allele origin: germline.

Blueprint Genetics
Classification: Likely benign. Last evaluated: 2024-10-04. Review status: criteria provided, single submitter. Criteria: ACMG Guidelines, 2015. Collection method: clinical testing. Allele origin: germline.

GeneDx
Classification: Likely benign. Last evaluated: 2017-05-01. Review status: criteria provided, single submitter. Criteria: GeneDx Variant Classification (06012015). Collection method: clinical testing. Allele origin: germline. Affected: yes.
Comment: This variant is considered likely benign or benign based on one or more of the following criteria: it is a conservative change, it occurs at a poorly conserved position in the protein, it is predicted to be benign by multiple in silico algorithms, and/or has population frequency not consistent with disease.